The following is an entry in ClinVar:

ClinVar aggregate classification (germline): Uncertain significance (1 of 4 stars; one submission).

Submission:

Labcorp Genetics (formerly Invitae), Labcorp
Classification: Uncertain significance. Last evaluated: 2024-03-15. Review status: criteria provided, single submitter. Criteria: Invitae Variant Classification Sherloc (09022015). Collection method: clinical testing. Allele origin: germline.
Comment: This sequence change affects a donor splice site in intron 10 of the C9 gene. While this variant is not anticipated to result in nonsense mediated decay, it likely alters RNA splicing and results in a disrupted protein product. This variant is not present in population databases (gnomAD no frequency). This variant has not been reported in the literature in individuals affected with C9-related conditions. Variants that disrupt the consensus splice site are a relatively common cause of aberrant splicing (PMID: 17576681, 9536098). Algorithms developed to predict the effect of sequence changes on RNA splicing suggest that this variant may disrupt the consensus splice site. In summary, the available evidence is currently insufficient to determine the role of this variant in disease. Therefore, it has been classified as a Variant of Uncertain Significance.

Literature cited by the submitters: PubMed 17576681; PubMed 9536098.

NM_001737.5(C9):c.1645+2T>A

Gene: C9 (complement C9; minus strand). Cytogenetic location: 5p13.1.
Variant type: single nucleotide variant.
Coding change: c.1645+2T>A on transcript NM_001737.5 (MANE Select); the canonical splice donor site of the intron after coding-DNA position 1645, T replaced by A.
Molecular consequence: splice donor variant.
Genome position (GRCh38, 1-based): chr5:39,288,721, A>T on the plus strand (T>A on the coding strand, the complement: C9 is on the minus strand). VCF-style: chr5-39288721-A-T. GRCh37 (hg19) VCF-style: chr5-39288823-A-T.
Identifiers: ClinVar variation 3685470 (VCV003685470.2).
Genomic context (GRCh38, chr5:39,288,721, plus strand): 5'-AAATTAGATAACCCCAAAGTGCATATTTTTGTCTTTAATCACATCAAATAAATTGTCCTC[A>T]CCTTCAGAAATTTTTTGTTTACTGATTTCACAGGCAATTCCCTCAAATTTGAATGGGCAG-3'